The following is an entry in ClinVar:

ClinVar aggregate classification (germline): Conflicting classifications of pathogenicity. Review status: criteria provided, conflicting classifications (1 of 4 stars). 2 submissions from 2 submitters: Likely pathogenic (1); Uncertain significance (1). Last evaluated 2022-05-12.

Conditions:
Spastic ataxia. Identifiers: Orphanet 316226, MedGen C1849156, MONDO:0017845, HP:0002497.
Emery-Dreifuss muscular dystrophy 5, autosomal dominant (EDMD5). Also called: EMERY-DREIFUSS MUSCULAR DYSTROPHY 5. Identifiers: Orphanet 261, MedGen C2751805, MONDO:0013072, OMIM 612999.

Submissions (2):

Labcorp Genetics (formerly Invitae), Labcorp
Classification: Uncertain significance for Emery-Dreifuss muscular dystrophy 5, autosomal dominant. Last evaluated: 2022-05-12. Review status: criteria provided, single submitter. Criteria: Invitae Variant Classification Sherloc (09022015). Collection method: clinical testing. Allele origin: germline.
Comment: In summary, the available evidence is currently insufficient to determine the role of this variant in disease. Therefore, it has been classified as a Variant of Uncertain Significance. Algorithms developed to predict the effect of missense changes on protein structure and function are either unavailable or do not agree on the potential impact of this missense change (SIFT: "Tolerated"; PolyPhen-2: "Possibly Damaging"; Align-GVGD: "Class C0"). ClinVar contains an entry for this variant (Variation ID: 1027463). This variant has not been reported in the literature in individuals affected with SYNE2-related conditions. This variant is not present in population databases (gnomAD no frequency). This sequence change replaces glutamine, which is neutral and polar, with glutamic acid, which is acidic and polar, at codon 5048 of the SYNE2 protein (p.Gln5048Glu).

Molecular Medicine for Neurodegenerative and Neuromuscular Diseases Unit, IRCCS Fondazione Stella Maris
Classification: Likely pathogenic for Spastic ataxia. Last evaluated: 2021-07-12. Review status: criteria provided, single submitter. Criteria: ACMG Guidelines, 2015. Collection method: research. Allele origin: unknown. Affected: yes.

NM_182914.3(SYNE2):c.15142C>G (p.Gln5048Glu)

Gene: SYNE2 (spectrin repeat containing nuclear envelope protein 2; plus strand). Cytogenetic location: 14q23.2.
Variant type: single nucleotide variant.
Coding change: c.15142C>G on transcript NM_182914.3 (MANE Select); coding-DNA position 15142, C replaced by G.
Protein change: p.Gln5048Glu; replaces glutamine 5048 with glutamic acid.
Molecular consequence: missense variant.
Genome position (GRCh38, 1-based): chr14:64,141,506, C>G. VCF-style: chr14-64141506-C-G. GRCh37 (hg19) VCF-style: chr14-64608224-C-G.
Other names: c.15142C>G, p.Gln5048Glu (NM_015180.6); short protein forms Q5048E.
Identifiers: ClinVar variation 1027463 (VCV001027463.6), dbSNP rs2153692395, ClinGen allele CA389940852.
Genomic context (GRCh38, chr14:64,141,506, plus strand): 5'-GCTTCTTTAGCACAGTTTGAACAAAAATGGACAATGCTCATAACTCAACTTCCAGATATT[C>G]AAGAAAAACTTCACCAGGTAAGTCTTTAGAGCCTCAGCATTTGAATTAGCATTCACTTGT-3'
Protein context (NP_878918.2, residues 5038-5058): TMLITQLPDI[Gln5048Glu]EKLHQLQMEK